The following is an entry in ClinVar:

NM_006506.5(RASA2):c.1108C>T (p.His370Tyr)

Gene: RASA2 (RAS p21 protein activator 2; plus strand). Cytogenetic location: 3q23.
Variant type: single nucleotide variant.
Coding change: c.1108C>T on transcript NM_006506.5 (MANE Select); coding-DNA position 1108, C replaced by T.
Protein change: p.His370Tyr; replaces histidine 370 with tyrosine.
Molecular consequence: missense variant.
Genome position (GRCh38, 1-based): chr3:141,571,493, C>T. VCF-style: chr3-141571493-C-T. GRCh37 (hg19) VCF-style: chr3-141290335-C-T.
Other names: c.1108C>T, p.His370Tyr (NM_001303245.3, NM_001303246.3); short protein forms H370Y.
Identifiers: ClinVar variation 3786977 (VCV003786977.1).
Genomic context (GRCh38, chr3:141,571,493, plus strand): 5'-TTGAGTGAAATATGTCGAGATAAAAATGATGCTGTTTTGCCCCTTGTACGACTGCTGCTG[C>T]ACCATGATAAACTTGTTCCTTTTGCCACTGCTGTGGCTGAATTAGACTTGAAGGATACAC-3'
Protein context (NP_006497.2, residues 360-380): AVLPLVRLLL[His370Tyr]HDKLVPFATA

ClinVar aggregate classification (germline): Uncertain significance (1 of 4 stars; one submission).

Submission:

Ambry Genetics
Classification: Uncertain significance. Last evaluated: 2025-02-15. Review status: criteria provided, single submitter. Criteria: Ambry Variant Classification Scheme 2023. Collection method: clinical testing. Allele origin: germline.
Comment: The p.H370Y variant (also known as c.1108C>T), located in coding exon 11 of the RASA2 gene, results from a C to T substitution at nucleotide position 1108. The histidine at codon 370 is replaced by tyrosine, an amino acid with similar properties. This amino acid position is conserved. In addition, this alteration is predicted to be tolerated by in silico analysis. Based on the available evidence, the clinical significance of this variant remains unclear.